The following is an entry in ClinVar:

NM_025114.4(CEP290):c.4072G>T (p.Glu1358Ter)

Gene: CEP290 (centrosomal protein 290; minus strand). Cytogenetic location: 12q21.32.
Variant type: single nucleotide variant.
Coding change: c.4072G>T on transcript NM_025114.4 (MANE Select); coding-DNA position 4072, G replaced by T.
Protein change: p.Glu1358Ter; replaces glutamic acid 1358 with a stop codon.
Molecular consequence: nonsense.
Genome position (GRCh38, 1-based): chr12:88,087,902, C>A on the plus strand (G>T on the coding strand, the complement: CEP290 is on the minus strand). VCF-style: chr12-88087902-C-A. GRCh37 (hg19) VCF-style: chr12-88481679-C-A.
Other names: short protein forms E1358*.
Identifiers: ClinVar variation 5013128 (VCV005013128.1).

ClinVar aggregate classification (germline): Pathogenic (1 of 4 stars; one submission).

Conditions:
CEP290-related ciliopathy. Also called: CEP290 ciliopathy. Identifiers: MedGen CN305601, MONDO:0100451.

Submission:

Myriad Genetics, Inc.
Classification: Pathogenic for CEP290-related ciliopathy. Last evaluated: 2024-06-01. Review status: criteria provided, single submitter. Criteria: Myriad Autosomal Dominant, Autosomal Recessive and X-Linked Classification Criteria (2023). Collection method: clinical testing. Allele origin: unknown.
Comment: NM_025114.3(CEP290):c.4072G>T(E1358*) is expected to be pathogenic in the context of CEP290-related disorders. This variant is predicted to lead to an abnormal or absent protein product due to the creation of a premature termination codon in CEP290, a gene where loss-of-function variants are known to be pathogenic. Please note: this variant was assessed in the context of healthy population screening.